The following is an entry in ClinVar:

NM_001276345.2(TNNT2):c.279G>C (p.Glu93Asp)

Gene: TNNT2 (troponin T2, cardiac type; minus strand). Cytogenetic location: 1q32.1.
Variant type: single nucleotide variant.
Coding change: c.279G>C on transcript NM_001276345.2 (MANE Select); coding-DNA position 279, G replaced by C.
Protein change: p.Glu93Asp; replaces glutamic acid 93 with aspartic acid.
Molecular consequence: missense variant.
Genome position (GRCh38, 1-based): chr1:201,365,625, C>G on the plus strand (G>C on the coding strand, the complement: TNNT2 is on the minus strand). VCF-style: chr1-201365625-C-G. GRCh37 (hg19) VCF-style: chr1-201334753-C-G.
Other names: c.279G>C, p.Glu93Asp (NM_000364.4); c.249G>C, p.Glu83Asp (NM_001001430.3, NM_001001431.3, NM_001276347.2); c.234G>C, p.Glu78Asp (NM_001001432.3); c.276G>C, p.Glu92Asp (NM_001276346.2); short protein forms E83D, E93D, E92D, E78D.
Identifiers: ClinVar variation 165551 (VCV000165551.10), dbSNP rs727503514, ClinGen allele CA004209.

ClinVar aggregate classification (germline): Uncertain significance. Review status: criteria provided, multiple submitters, no conflicts (2 of 4 stars). 4 submissions from 4 submitters: Uncertain significance (3). 1 of the submissions does not count toward it. Last evaluated 2024-12-03.

Conditions:
Cardiovascular phenotype. Identifiers: MedGen CN230736.
Dilated cardiomyopathy 1D. Identifiers: Orphanet 154, Orphanet 54260, MedGen C1832243, MONDO:0011095, OMIM 601494.
Cardiomyopathy, familial restrictive, 3. Identifiers: Orphanet 75249, MedGen C2676271, MONDO:0012900, OMIM 612422.
Hypertrophic cardiomyopathy 2. Also called: TNNT2-Related Familial Hypertrophic Cardiomyopathy. Identifiers: MedGen C1861864, MONDO:0007266, OMIM 115195.
Cardiomyopathy (CMYO). Also called: Cardiomyopathies. Identifiers: Orphanet 167848, MedGen C0878544, MONDO:0004994, HP:0001638. Inheritance: Various modes of inheritance.

Allele frequency attached by ClinVar (database versions not stated): gnomAD exomes below 0.00001.
gnomAD v4.1: 4 of 1,614,108 alleles (0.00025%); highest among the groups gnomAD compares: Non-Finnish European, 0.00025%; no homozygotes.

Submissions (4):

Labcorp Genetics (formerly Invitae), Labcorp
Classification: Uncertain significance for Cardiomyopathy, familial restrictive, 3; Hypertrophic cardiomyopathy 2; Dilated cardiomyopathy 1D. Last evaluated: 2024-12-03. Review status: criteria provided, single submitter. Criteria: Invitae Variant Classification Sherloc (09022015). Collection method: clinical testing. Allele origin: germline.
Comment: This sequence change replaces glutamic acid, which is acidic and polar, with aspartic acid, which is acidic and polar, at codon 83 of the TNNT2 protein (p.Glu83Asp). This variant is not present in population databases (gnomAD no frequency). This missense change has been observed in individual(s) with TNNT2-related conditions (PMID: 22464770, 27532257, 37652022). This variant is also known as c.279G>C (p.E93D). ClinVar contains an entry for this variant (Variation ID: 165551). Invitae Evidence Modeling of protein sequence and biophysical properties (such as structural, functional, and spatial information, amino acid conservation, physicochemical variation, residue mobility, and thermodynamic stability) indicates that this missense variant is not expected to disrupt TNNT2 protein function with a negative predictive value of 80%. In summary, the available evidence is currently insufficient to determine the role of this variant in disease. Therefore, it has been classified as a Variant of Uncertain Significance.

CHEO Genetics Diagnostic Laboratory, Children's Hospital of Eastern Ontario
Classification: Uncertain significance for Cardiomyopathy. Last evaluated: 2023-05-02. Review status: criteria provided, single submitter. Criteria: ACMG Guidelines, 2015. Collection method: clinical testing. Allele origin: germline.

Ambry Genetics
Classification: Uncertain significance for Cardiovascular phenotype. Last evaluated: 2023-04-14. Review status: criteria provided, single submitter. Criteria: Ambry Variant Classification Scheme 2023. Collection method: clinical testing. Allele origin: germline.
Comment: The p.E83D variant (also known as c.249G>C), located in coding exon 7 of the TNNT2 gene, results from a G to C substitution at nucleotide position 249. The glutamic acid at codon 83 is replaced by aspartic acid, an amino acid with highly similar properties. This alteration has been reported in dilated cardiomyopathy (DCM) cohorts and hypertrophic cardiomyopathy (HCM) cohorts; however, clinical details were limited (Lakdawala NK et al. J Card Fail, 2012 Apr;18:296-303; Miller EM et al. J Genet Couns, 2013 Apr;22:258-67; Alfares AA et al. Genet Med, 2015 Nov;17:880-8; Walsh R et al. Genet Med, 2017 Feb;19:192-203). This amino acid position is highly conserved in available vertebrate species. In addition, this alteration is predicted to be deleterious by in silico analysis. Since supporting evidence is limited at this time, the clinical significance of this alteration remains unclear.

Laboratory for Molecular Medicine, Mass General Brigham Personalized Medicine
Classification: Uncertain significance. Last evaluated: 2015-05-11. Review status: no assertion criteria provided. Collection method: clinical testing. Allele origin: germline. Observed: 1 variant allele. Not counted in ClinVar's aggregate classification.
Comment: proposed classification - variant undergoing re-assessment, contact laboratory

Literature cited by the submitters: PubMed 22464770 (cited by Labcorp Genetics (formerly Invitae), Labcorp and Ambry Genetics); PubMed 27532257 (cited by Labcorp Genetics (formerly Invitae), Labcorp and Ambry Genetics); PubMed 37652022 (cited by Labcorp Genetics (formerly Invitae), Labcorp); PubMed 23054336 (cited by Ambry Genetics); PubMed 25611685 (cited by Ambry Genetics).